The following is an entry in ClinVar:

NM_006516.4(SLC2A1):c.218C>T (p.Ser73Phe)

Gene: SLC2A1 (solute carrier family 2 member 1; minus strand). Cytogenetic location: 1p34.2.
Variant type: single nucleotide variant.
Coding change: c.218C>T on transcript NM_006516.4 (MANE Select); coding-DNA position 218, C replaced by T.
Protein change: p.Ser73Phe; replaces serine 73 with phenylalanine.
Molecular consequence: missense variant.
Genome position (GRCh38, 1-based): chr1:42,931,103, G>A on the plus strand (C>T on the coding strand, the complement: SLC2A1 is on the minus strand). VCF-style: chr1-42931103-G-A. GRCh37 (hg19) VCF-style: chr1-43396774-G-A.
Other names: short protein forms S73F.
Identifiers: ClinVar variation 989292 (VCV000989292.4), dbSNP rs1643484697, ClinGen allele CA339961903.

ClinVar aggregate classification (germline): Uncertain significance (1 of 4 stars; one submission).

Conditions:
Childhood onset GLUT1 deficiency syndrome 2. Also called: GLUT1 deficiency syndrome 2; PxMD-SLC2A1; Exertion-induced paroxysmal dyskinesia; Paroxysmal exercise-induced dystonia; PAROXYSMAL EXERCISE-INDUCED DYSKINESIA WITH OR WITHOUT EPILEPSY AND/OR HEMOLYTIC ANEMIA; PAROXYSMAL EXERTION-INDUCED DYSTONIA WITH OR WITHOUT EPILEPSY AND/OR HEMOLYTIC ANEMIA. Identifiers: Orphanet 98811, MedGen C1842534, MONDO:0012805, OMIM 612126.

Submission:

Illumina Laboratory Services, Illumina
Classification: Uncertain significance for Childhood onset GLUT1 deficiency syndrome 2. Last evaluated: 2019-01-09. Review status: criteria provided, single submitter. Criteria: ICSLVariantClassificationCriteria RUGD 01 April 2020. Collection method: clinical testing. Allele origin: unknown.
Comment: The SLC2A1 c.218C>T (p.Ser73Phe) variant is a missense variant. A literature search was performed for the gene, cDNA change, and amino acid change. No publications were found based on this search. This variant is not found in the Genome Aggregation Database despite its location in a region of good sequencing coverage. It is therefore presumed to be rare. Functional studies of this variant, which is located in the pore-forming second transmembrane domain, have not been conducted. Based on the limited evidence available, the p.Ser73Phe variant is classified as a variant of uncertain significance for glucose transporter type 1 deficiency syndrome.